The following is an entry in ClinVar:

ClinVar aggregate classification (germline): Likely benign (1 of 4 stars; one submission).

Submission:

CeGaT Center for Human Genetics Tuebingen
Classification: Likely benign. Last evaluated: 2023-02-01. Review status: criteria provided, single submitter. Criteria: CeGaT Center For Human Genetics Tuebingen Variant Classification Criteria Version 2. Collection method: clinical testing. Allele origin: germline. Affected: yes. Observed: 1 variant allele.
Comment: CELSR1: PM2:Supporting, BP4, BP7

NM_001378328.1(CELSR1):c.3741C>G (p.Val1247=)

Gene: CELSR1 (cadherin EGF LAG seven-pass G-type receptor 1; minus strand). Cytogenetic location: 22q13.31.
Variant type: single nucleotide variant.
Coding change: c.3741C>G on transcript NM_001378328.1 (MANE Select); coding-DNA position 3741, C replaced by G.
Protein change: p.Val1247=; no amino-acid change (valine 1247 retained).
Molecular consequence: synonymous variant.
Genome position (GRCh38, 1-based): chr22:46,464,149, G>C on the plus strand (C>G on the coding strand, the complement: CELSR1 is on the minus strand). VCF-style: chr22-46464149-G-C. GRCh37 (hg19) VCF-style: chr22-46860046-G-C.
Other names: c.3741C>G, p.Val1247= (NM_014246.4).
Identifiers: ClinVar variation 2653337 (VCV002653337.24), dbSNP rs2518262446, ClinGen allele CA515098664.
Genomic context (GRCh38, chr22:46,464,149, plus strand): 5'-AGGCAGCAGCGCCGAGAAGGTCACGTTCAGGATGTTGGAGCTGACGTCGGTGTCGTTCTG[G>C]ACGTTGAAGACGAAGACGTCGTCCTTGGTGGTGGACAGCACGGCGGCCACCCCCTCCACG-3'
Protein context (NP_001365257.1, residues 1237-1257): TTKDDVFVFN[Val1247=]QNDTDVSSNI